The following is an entry in ClinVar:

NM_030957.4(ADAMTS10):c.1901-5C>G

Gene: ADAMTS10 (ADAM metallopeptidase with thrombospondin type 1 motif 10; minus strand). Cytogenetic location: 19p13.2.
Variant type: single nucleotide variant.
Coding change: c.1901-5C>G on transcript NM_030957.4 (MANE Select); 5 bases into the intron before coding-DNA position 1901, C replaced by G.
Molecular consequence: intron variant.
Genome position (GRCh38, 1-based): chr19:8,589,590, G>C on the plus strand (C>G on the coding strand, the complement: ADAMTS10 is on the minus strand). VCF-style: chr19-8589590-G-C. GRCh37 (hg19) VCF-style: chr19-8654474-G-C.
Other names: c.373-16C>G (NM_001282352.2).
Identifiers: ClinVar variation 1460909 (VCV001460909.3), dbSNP rs2042492830, ClinGen allele CA505422923.

ClinVar aggregate classification (germline): Uncertain significance (1 of 4 stars; one submission).

Allele frequency attached by ClinVar (database versions not stated): TOPMed below 0.00001; gnomAD 0.00001; gnomAD exomes 0.00001.
gnomAD v4.1: 9 of 1,613,156 alleles (0.00056%); highest among the groups gnomAD compares: Middle Eastern, 0.016%; no homozygotes.

Submission:

Labcorp Genetics (formerly Invitae), Labcorp
Classification: Uncertain significance. Last evaluated: 2022-07-11. Review status: criteria provided, single submitter. Criteria: Invitae Variant Classification Sherloc (09022015). Collection method: clinical testing. Allele origin: germline.
Comment: This sequence change falls in intron 16 of the ADAMTS10 gene. It does not directly change the encoded amino acid sequence of the ADAMTS10 protein. This variant is not present in population databases (gnomAD no frequency). This variant has not been reported in the literature in individuals affected with ADAMTS10-related conditions. ClinVar contains an entry for this variant (Variation ID: 1460909). Algorithms developed to predict the effect of sequence changes on RNA splicing suggest that this variant may disrupt the consensus splice site. In summary, the available evidence is currently insufficient to determine the role of this variant in disease. Therefore, it has been classified as a Variant of Uncertain Significance.